The following is an entry in ClinVar:

NM_017617.5(NOTCH1):c.7200A>G (p.Ala2400=)

Gene: NOTCH1 (notch receptor 1; minus strand). Cytogenetic location: 9q34.3.
Variant type: single nucleotide variant.
Coding change: c.7200A>G on transcript NM_017617.5 (MANE Select); coding-DNA position 7200, A replaced by G.
Protein change: p.Ala2400=; no amino-acid change (alanine 2400 retained).
Molecular consequence: synonymous variant.
Genome position (GRCh38, 1-based): chr9:136,496,539, T>C on the plus strand (A>G on the coding strand, the complement: NOTCH1 is on the minus strand). VCF-style: chr9-136496539-T-C. GRCh37 (hg19) VCF-style: chr9-139390991-T-C.
Other names: c.7200A>G, p.Ala2400= (LRG_1122t1).
Identifiers: ClinVar variation 508433 (VCV000508433.3), dbSNP rs780295772, ClinGen allele CA5339733.

ClinVar aggregate classification (germline): Likely benign. Review status: criteria provided, multiple submitters, no conflicts (2 of 4 stars). 2 submissions from 2 submitters: Likely benign (2). Last evaluated 2023-03-25.

Conditions:
Familial thoracic aortic aneurysm and aortic dissection (TAAD). Also called: Thoracic aortic aneurysms and dissections. Identifiers: Orphanet 91387, MedGen C4707243, MONDO:0019625.

Allele frequency attached by ClinVar (database versions not stated): gnomAD exomes below 0.00001 and 0.00001; ExAC 0.00001.
gnomAD v4.1: 7 of 1,608,232 alleles (0.00044%); highest among the groups gnomAD compares: Non-Finnish European, 0.00059%; no homozygotes.

Submissions (2):

Ambry Genetics
Classification: Likely benign for Familial thoracic aortic aneurysm and aortic dissection. Last evaluated: 2023-03-25. Review status: criteria provided, single submitter. Criteria: Ambry Variant Classification Scheme 2023. Collection method: clinical testing. Allele origin: germline.

GeneDx
Classification: Likely benign. Last evaluated: 2017-04-03. Review status: criteria provided, single submitter. Criteria: GeneDx Variant Classification (06012015). Collection method: clinical testing. Allele origin: germline. Affected: yes.
Comment: This variant is considered likely benign or benign based on one or more of the following criteria: it is a conservative change, it occurs at a poorly conserved position in the protein, it is predicted to be benign by multiple in silico algorithms, and/or has population frequency not consistent with disease.